The following is an entry in ClinVar:

NM_001110556.2(FLNA):c.3561C>T (p.Ser1187=)

Gene: FLNA (filamin A; minus strand). Cytogenetic location: Xq28.
Variant type: single nucleotide variant.
Coding change: c.3561C>T on transcript NM_001110556.2 (MANE Select); coding-DNA position 3561, C replaced by T.
Protein change: p.Ser1187=; no amino-acid change (serine 1187 retained).
Molecular consequence: synonymous variant.
Genome position (GRCh38, 1-based): chrX:154,360,234, G>A on the plus strand (C>T on the coding strand, the complement: FLNA is on the minus strand). VCF-style: chrX-154360234-G-A. GRCh37 (hg19) VCF-style: chrX-153588602-G-A.
Other names: c.3561C>T, p.Ser1187= (NM_001456.4).
Identifiers: ClinVar variation 514646 (VCV000514646.34), dbSNP rs1396701849, ClinGen allele CA519708294.
Genomic context (GRCh38, chrX:154,360,234, plus strand): 5'-CACCTCGGCCGGAAGCCCCGCCTCCGAGCAGATCTCAATGGTCAGCTCCGCGCTGCCCGC[G>A]CTCGAGCAGTCCACTTGGAATTGGCCCACCTCCCCAGCGGTGGCCCGCTCCAGCCCGGGG-3'
Protein context (NP_001104026.1, residues 1177-1197): EVGQFQVDCS[Ser1187=]AGSAELTIEI

ClinVar aggregate classification (germline): Benign/Likely benign. Review status: criteria provided, multiple submitters, no conflicts (2 of 4 stars). 4 submissions from 4 submitters: Benign (1); Likely benign (3). Last evaluated 2025-01-06.

Conditions:
Frontometaphyseal dysplasia (FMD1). Identifiers: Orphanet 1826, MedGen C0265293, MONDO:0015942.
Heterotopia, periventricular, X-linked dominant (PVNH1). Also called: X-linked periventricular heterotopia; PERIVENTRICULAR NODULAR HETEROTOPIA 4; HETEROTOPIA, PERIVENTRICULAR, 1; PERIVENTRICULAR NODULAR HETEROTOPIA 1. Identifiers: Orphanet 2149, Orphanet 82004, MedGen C1848213, MONDO:0010233, OMIM 300049.
Oto-palato-digital syndrome, type II (OPD2). Also called: Otopalatodigital Syndrome Type 2 (FLNA-OPD2); FACIOPALATOOSSEOUS SYNDROME; Otopalatodigital Syndrome, Type II; OPD II SYNDROME. Identifiers: Orphanet 669, Orphanet 90652, MedGen C1844696, MONDO:0010571, OMIM 304120.
Melnick-Needles syndrome (MNS). Also called: Melnick-Needles Syndrome (FLNA-MNS); MELNICK-NEEDLES OSTEODYSPLASTY; OSTEODYSPLASTY OF MELNICK AND NEEDLES. Identifiers: Orphanet 2484, MedGen C0025237, MONDO:0010650, OMIM 309350.
Familial thoracic aortic aneurysm and aortic dissection (TAAD). Also called: Thoracic aortic aneurysms and dissections. Identifiers: Orphanet 91387, MedGen C4707243, MONDO:0019625.

Allele frequency attached by ClinVar (database versions not stated): gnomAD below 0.00001 and 0.00001; gnomAD exomes below 0.00001 and 0.00001; TOPMed below 0.00001.

Submissions (4):

Ambry Genetics
Classification: Likely benign for Familial thoracic aortic aneurysm and aortic dissection. Last evaluated: 2025-01-06. Review status: criteria provided, single submitter. Criteria: Ambry Variant Classification Scheme 2023. Collection method: clinical testing. Allele origin: germline.

Labcorp Genetics (formerly Invitae), Labcorp
Classification: Benign for Oto-palato-digital syndrome, type II; Heterotopia, periventricular, X-linked dominant; Frontometaphyseal dysplasia; Melnick-Needles syndrome. Last evaluated: 2024-10-16. Review status: criteria provided, single submitter. Criteria: Invitae Variant Classification Sherloc (09022015). Collection method: clinical testing. Allele origin: germline.

CeGaT Center for Human Genetics Tuebingen
Classification: Likely benign. Last evaluated: 2022-12-01. Review status: criteria provided, single submitter. Criteria: CeGaT Center For Human Genetics Tuebingen Variant Classification Criteria Version 2. Collection method: clinical testing. Allele origin: germline. Affected: yes. Observed: 1 variant allele.
Comment: FLNA: BP4, BP7

GeneDx
Classification: Likely benign. Last evaluated: 2018-01-14. Review status: criteria provided, single submitter. Criteria: GeneDx Variant Classification (06012015). Collection method: clinical testing. Allele origin: germline. Affected: yes.
Comment: This variant is considered likely benign or benign based on one or more of the following criteria: it is a conservative change, it occurs at a poorly conserved position in the protein, it is predicted to be benign by multiple in silico algorithms, and/or has population frequency not consistent with disease.